The following is an entry in ClinVar:

ClinVar aggregate classification (germline): Likely pathogenic (1 of 4 stars; one submission).

Submission:

Labcorp Genetics (formerly Invitae), Labcorp
Classification: Likely pathogenic. Last evaluated: 2023-05-08. Review status: criteria provided, single submitter. Criteria: Invitae Variant Classification Sherloc (09022015). Collection method: clinical testing. Allele origin: germline.
Comment: In summary, the currently available evidence indicates that the variant is pathogenic, but additional data are needed to prove that conclusively. Therefore, this variant has been classified as Likely Pathogenic. Algorithms developed to predict the effect of sequence changes on RNA splicing suggest that this variant may disrupt the consensus splice site. ClinVar contains an entry for this variant (Variation ID: 2201836). This variant has not been reported in the literature in individuals affected with MYO7A-related conditions. This variant is not present in population databases (gnomAD no frequency). This variant results in the deletion of part of exon 44 (c.6050_6051+9del) of the MYO7A gene. It is expected to disrupt RNA splicing. Variants that disrupt the donor or acceptor splice site typically lead to a loss of protein function (PMID: 16199547), and loss-of-function variants in MYO7A are known to be pathogenic (PMID: 8900236, 25404053).

Literature cited by the submitters: PubMed 16199547; PubMed 8900236; PubMed 25404053.

NM_000260.4(MYO7A):c.6050_6051+9del

Gene: MYO7A (myosin VIIA; plus strand). Cytogenetic location: 11q13.5.
Variant type: Deletion.
Coding change: c.6050_6051+9del on transcript NM_000260.4 (MANE Select); coding-DNA position 6050 through 9 bases into the intron after coding-DNA position 6051, 11 bases deleted (AGGTGGGCACC).
Molecular consequence: splice donor variant.
Genome position (GRCh38, 1-based): chr11:77,208,802-77,208,812, AGGTGGGCACC deleted; deleting any 11 consecutive bases within chr11:77,208,799-77,208,812 gives the same sequence; the c. name uses the placement nearest the transcript's 3' end. VCF-style (leftmost placement, unchanged base first): chr11-77208798-TACCAGGTGGGC-T. GRCh37 (hg19) VCF-style: chr11-76919843-TACCAGGTGGGC-T.
Other names: c.5903_5904+9del (NM_001369365.1); c.5936_5937+9del (NM_001127180.2).
Identifiers: ClinVar variation 2201836 (VCV002201836.4), dbSNP rs1957653605, ClinGen allele CA912973143.